The following is an entry in ClinVar:

NM_000553.6(WRN):c.31C>T (p.Gln11Ter)

Gene: WRN (WRN RecQ like helicase; plus strand). Cytogenetic location: 8p12.
Variant type: single nucleotide variant.
Coding change: c.31C>T on transcript NM_000553.6 (MANE Select); coding-DNA position 31, C replaced by T.
Protein change: p.Gln11Ter; replaces glutamine 11 with a stop codon.
Molecular consequence: nonsense.
Genome position (GRCh38, 1-based): chr8:31,058,478, C>T. VCF-style: chr8-31058478-C-T. GRCh37 (hg19) VCF-style: chr8-30915994-C-T.
Other names: short protein forms Q11*.
Identifiers: ClinVar variation 1385909 (VCV001385909.6), dbSNP rs2130000774, ClinGen allele CA370912070.

ClinVar aggregate classification (germline): Pathogenic (1 of 4 stars; one submission).

Conditions:
Werner syndrome (WRN). Identifiers: Orphanet 902, MedGen C0043119, MONDO:0010196, OMIM 277700.

Submission:

Labcorp Genetics (formerly Invitae), Labcorp
Classification: Pathogenic for Werner syndrome. Last evaluated: 2024-04-29. Review status: criteria provided, single submitter. Criteria: Invitae Variant Classification Sherloc (09022015). Collection method: clinical testing. Allele origin: germline.
Comment: This sequence change creates a premature translational stop signal (p.Gln11*) in the WRN gene. It is expected to result in an absent or disrupted protein product. Loss-of-function variants in WRN are known to be pathogenic (PMID: 16673358). This variant is not present in population databases (gnomAD no frequency). This variant has not been reported in the literature in individuals affected with WRN-related conditions. ClinVar contains an entry for this variant (Variation ID: 1385909). For these reasons, this variant has been classified as Pathogenic.

Literature cited by the submitters: PubMed 16673358.